The following is an entry in ClinVar:

ClinVar aggregate classification (germline): Uncertain significance (1 of 4 stars; one submission).

Conditions:
Tuberous sclerosis 2 (TSC2). Identifiers: Orphanet 805, MedGen C1860707, MONDO:0013199, OMIM 613254.

Submission:

Labcorp Genetics (formerly Invitae), Labcorp
Classification: Uncertain significance for Tuberous sclerosis 2. Last evaluated: 2020-12-13. Review status: criteria provided, single submitter. Criteria: Invitae Variant Classification Sherloc (09022015). Collection method: clinical testing. Allele origin: germline.
Comment: In summary, the available evidence is currently insufficient to determine the role of this variant in disease. Therefore, it has been classified as a Variant of Uncertain Significance. Advanced modeling of protein sequence and biophysical properties (such as structural, functional, and spatial information, amino acid conservation, physicochemical variation, residue mobility, and thermodynamic stability) performed at Invitae indicates that this missense variant is not expected to disrupt TSC2 protein function. This variant has not been reported in the literature in individuals with TSC2-related conditions. This variant is not present in population databases (ExAC no frequency). This sequence change replaces serine with isoleucine at codon 867 of the TSC2 protein (p.Ser867Ile). The serine residue is highly conserved and there is a large physicochemical difference between serine and isoleucine.

NM_000548.5(TSC2):c.2600G>T (p.Ser867Ile)

Gene: TSC2 (TSC complex subunit 2; plus strand). Cytogenetic location: 16p13.3.
Variant type: single nucleotide variant.
Coding change: c.2600G>T on transcript NM_000548.5 (MANE Select); coding-DNA position 2600, G replaced by T.
Protein change: p.Ser867Ile; replaces serine 867 with isoleucine.
Molecular consequence: missense variant.
Genome position (GRCh38, 1-based): chr16:2,075,853, G>T. VCF-style: chr16-2075853-G-T. GRCh37 (hg19) VCF-style: chr16-2125854-G-T.
Other names: c.2600G>T, p.Ser867Ile (NM_001077183.3, NM_001114382.3, NM_001363528.2 and 3 more transcripts); c.2489G>T, p.Ser830Ile (NM_001318827.2); c.2453G>T, p.Ser818Ile (NM_001318829.2); c.2000G>T, p.Ser667Ile (NM_001318831.2); c.2633G>T, p.Ser878Ile (NM_001318832.2); short protein forms S818I, S878I, S667I, S830I, S867I.
Identifiers: ClinVar variation 1356108 (VCV001356108.8), dbSNP rs751702841, ClinGen allele CA394278411.